The following is an entry in ClinVar:

NM_001379291.1(BRD4):c.2159-928G>C

Gene: BRD4 (bromodomain containing 4; minus strand). Cytogenetic location: 19p13.12.
Variant type: single nucleotide variant.
Coding change: c.2159-928G>C on transcript NM_001379291.1 (MANE Select); 928 bases into the intron before coding-DNA position 2159, G replaced by C.
Molecular consequence: intron variant.
Genome position (GRCh38, 1-based): chr19:15,245,690, C>G on the plus strand (G>C on the coding strand, the complement: BRD4 is on the minus strand). VCF-style: chr19-15245690-C-G. GRCh37 (hg19) VCF-style: chr19-15356501-C-G.
Other names: c.2159-928G>C (NM_058243.3).
Identifiers: ClinVar variation 2649457 (VCV002649457.24), dbSNP rs780987020, ClinGen allele CA305792141.
Genomic context (GRCh38, chr19:15,245,690, plus strand): 5'-CTAAGGGACTTTTGCCAGTTGGATGTCCCCTCACCAAACATGGATGGTGTACAAGCCCCA[C>G]AGGGGGACATGAGCCCTGGCCAGTGCTCATGGGCTGGCAGGTCACAGTCGCCTGCCACCA-3'

ClinVar aggregate classification (germline): Benign (1 of 4 stars; one submission).

gnomAD v4.1: 48 of 152,314 alleles (0.032%); highest among the groups gnomAD compares: South Asian, 0.15%; no homozygotes.

Submission:

CeGaT Center for Human Genetics Tuebingen
Classification: Benign. Last evaluated: 2022-08-01. Review status: criteria provided, single submitter. Criteria: CeGaT Center For Human Genetics Tuebingen Variant Classification Criteria Version 2. Collection method: clinical testing. Allele origin: germline. Affected: yes. Observed: 1 variant allele.
Comment: BRD4: BS1, BS2